The following is an entry in ClinVar:

ClinVar aggregate classification (germline): Uncertain significance (1 of 4 stars; one submission).

gnomAD v4.1: 1 of 1,614,116 alleles (0.000062%); highest among the groups gnomAD compares: East Asian, 0.0022%; no homozygotes.

Submission:

Labcorp Genetics (formerly Invitae), Labcorp
Classification: Uncertain significance. Last evaluated: 2025-09-25. Review status: criteria provided, single submitter. Criteria: Invitae Variant Classification Sherloc (09022015). Collection method: clinical testing. Allele origin: germline.
Comment: This sequence change replaces isoleucine, which is neutral and non-polar, with threonine, which is neutral and polar, at codon 184 of the NFE2L2 protein (p.Ile184Thr). This variant is not present in population databases (gnomAD no frequency). This variant has not been reported in the literature in individuals affected with NFE2L2-related conditions. ClinVar contains an entry for this variant (Variation ID: 3667877). Invitae Evidence Modeling of protein sequence and biophysical properties (such as structural, functional, and spatial information, amino acid conservation, physicochemical variation, residue mobility, and thermodynamic stability) has been performed for this missense variant. However, the output from this modeling did not meet the statistical confidence thresholds required to predict the impact of this variant on NFE2L2 protein function. In summary, the available evidence is currently insufficient to determine the role of this variant in disease. Therefore, it has been classified as a Variant of Uncertain Significance.

NM_006164.5(NFE2L2):c.551T>C (p.Ile184Thr)

Gene: NFE2L2 (NFE2 like bZIP transcription factor 2; minus strand). Cytogenetic location: 2q31.2.
Variant type: single nucleotide variant.
Coding change: c.551T>C on transcript NM_006164.5 (MANE Select); coding-DNA position 551, T replaced by C.
Protein change: p.Ile184Thr; replaces isoleucine 184 with threonine.
Molecular consequence: missense variant.
Genome position (GRCh38, 1-based): chr2:177,232,435, A>G on the plus strand (T>C on the coding strand, the complement: NFE2L2 is on the minus strand). VCF-style: chr2-177232435-A-G. GRCh37 (hg19) VCF-style: chr2-178097163-A-G.
Other names: c.503T>C, p.Ile168Thr (NM_001145412.3, NM_001313900.1, NM_001313901.1); c.482T>C, p.Ile161Thr (NM_001145413.3); c.461T>C, p.Ile154Thr (NM_001313902.2); c.332T>C, p.Ile111Thr (NM_001313903.2); c.251T>C, p.Ile84Thr (NM_001313904.1); short protein forms I154T, I161T, I168T, I111T, I184T, I84T.
Identifiers: ClinVar variation 3667877 (VCV003667877.2).